The following is an entry in ClinVar:

NM_002661.5(PLCG2):c.2611T>C (p.Ser871Pro)

Gene: PLCG2 (phospholipase C gamma 2; plus strand). Cytogenetic location: 16q23.3.
Variant type: single nucleotide variant.
Coding change: c.2611T>C on transcript NM_002661.5 (MANE Select); coding-DNA position 2611, T replaced by C.
Protein change: p.Ser871Pro; replaces serine 871 with proline.
Molecular consequence: missense variant.
Genome position (GRCh38, 1-based): chr16:81,931,526, T>C. VCF-style: chr16-81931526-T-C. GRCh37 (hg19) VCF-style: chr16-81965131-T-C.
Other names: short protein forms S871P.
Identifiers: ClinVar variation 1060318 (VCV001060318.9), dbSNP rs2143713402, ClinGen allele CA396903490.

ClinVar aggregate classification (germline): Uncertain significance (1 of 4 stars; one submission).

Conditions:
Familial cold autoinflammatory syndrome 3 (FCAS3). Also called: ANTIBODY DEFICIENCY AND IMMUNE DYSREGULATION, PLCG2-ASSOCIATED; FAMILIAL ATYPICAL COLD URTICARIA. Identifiers: Orphanet 300359, MedGen C3280914, MONDO:0013766, OMIM 614468.

Submission:

Labcorp Genetics (formerly Invitae), Labcorp
Classification: Uncertain significance for Familial cold autoinflammatory syndrome 3. Last evaluated: 2020-03-26. Review status: criteria provided, single submitter. Criteria: Invitae Variant Classification Sherloc (09022015). Collection method: clinical testing. Allele origin: germline.
Comment: In summary, the available evidence is currently insufficient to determine the role of this variant in disease. Therefore, it has been classified as a Variant of Uncertain Significance. Algorithms developed to predict the effect of missense changes on protein structure and function output the following: SIFT: "Tolerated"; PolyPhen-2: "Benign"; Align-GVGD: "Class C0". The proline amino acid residue is found in multiple mammalian species, suggesting that this missense change does not adversely affect protein function. These predictions have not been confirmed by published functional studies and their clinical significance is uncertain. This variant has not been reported in the literature in individuals with PLCG2-related conditions. This variant is not present in population databases (ExAC no frequency). This sequence change replaces serine with proline at codon 871 of the PLCG2 protein (p.Ser871Pro). The serine residue is weakly conserved and there is a moderate physicochemical difference between serine and proline.